The following is an entry in ClinVar:

ClinVar aggregate classification (germline): Pathogenic (1 of 4 stars; one submission).

Conditions:
Hereditary breast ovarian cancer syndrome. Also called: BRCA1- and BRCA2-Associated Hereditary Breast and Ovarian Cancer; Hereditary breast and ovarian cancer; Hereditary breast and ovarian cancer syndrome (HBOC); Breast and ovarian cancer; Hereditary breast and ovarian cancer syndrome; Hereditary breast and/or ovarian cancer syndrome. Identifiers: Orphanet 145, MedGen C0677776, MeSH D061325, MONDO:0003582. Disease mechanism: loss of function.

Submission:

Labcorp Genetics (formerly Invitae), Labcorp
Classification: Pathogenic for Hereditary breast ovarian cancer syndrome. Last evaluated: 2022-09-10. Review status: criteria provided, single submitter. Criteria: Invitae Variant Classification Sherloc (09022015). Collection method: clinical testing. Allele origin: germline.
Comment: For these reasons, this variant has been classified as Pathogenic. This variant has not been reported in the literature in individuals affected with BRCA2-related conditions. This variant is not present in population databases (gnomAD no frequency). This sequence change creates a premature translational stop signal (p.Ile2278Serfs*2) in the BRCA2 gene. It is expected to result in an absent or disrupted protein product. Loss-of-function variants in BRCA2 are known to be pathogenic (PMID: 20104584).

Literature cited by the submitters: PubMed 20104584.

NM_000059.4(BRCA2):c.6829del (p.Ile2278fs)

Gene: BRCA2 (BRCA2 DNA repair associated; plus strand). Cytogenetic location: 13q13.1.
Variant type: Deletion.
Coding change: c.6829del on transcript NM_000059.4 (MANE Select); coding-DNA position 6829, one base deleted (C; older notation c.6829delC).
Protein change: p.Ile2278fs; shifts the reading frame from isoleucine 2278.
Molecular consequence: frameshift variant.
Genome position (GRCh38, 1-based): chr13:32,341,184, C deleted; the last of 4 consecutive C bases (chr13:32,341,181-32,341,184); deleting any one gives the same sequence. VCF-style (leftmost placement, unchanged base first): chr13-32341180-GC-G. GRCh37 (hg19) VCF-style: chr13-32915317-GC-G.
Other names: c.6829delC, p.Ile2278Serfs (NM_001406719.1, NM_001406720.1); short protein forms I2278fs.
Identifiers: ClinVar variation 2029853 (VCV002029853.4), dbSNP rs2548534178, ClinGen allele CA2580088063.
Genomic context (GRCh38, chr13:32,341,180, plus strand): 5'-ATGTCCCGAAAATGAGGAAATGGTTTTGTCAAATTCAAGAATTGGAAAAAGAAGAGGAGA[GC>G]CCCTTATCTTAGTGGGTAAGTGTTCATTTTTACCTTTCGTGTTGCCAATCACTATTTTTA-3'